The following is an entry in ClinVar:

ClinVar aggregate classification (germline): Pathogenic/Likely pathogenic. Review status: criteria provided, multiple submitters, no conflicts (2 of 4 stars). 3 submissions from 3 submitters: Pathogenic (2); Likely pathogenic (1). Last evaluated 2025-07-03.

Conditions:
Leber congenital amaurosis 5 (LCA5). Also called: Amaurosis congenita of Leber, type 5. Identifiers: Orphanet 65, MedGen C1858301, MONDO:0011473, OMIM 604537.

Submissions (3):

Natera, Inc.
Classification: Likely pathogenic for Leber congenital amaurosis type 5. Last evaluated: 2025-07-03. Review status: criteria provided, single submitter. Criteria: Natera Variant Classification Schema (03/2026). Collection method: clinical testing. Allele origin: germline.
Comment: The c.1062C>A variant in LCA5 is a nonsense variant predicted to introduce a stop codon at amino acid 354. This variant is expected to result in nonsense mediated decay, truncation, or a dysfunctional protein product. This variant is rare in the general population with a frequency below the threshold expected for the associated phenotype(s). Given the available evidence, this variant is classified as Likely Pathogenic.

Labcorp Genetics (formerly Invitae), Labcorp
Classification: Pathogenic. Last evaluated: 2023-07-13. Review status: criteria provided, single submitter. Criteria: Invitae Variant Classification Sherloc (09022015). Collection method: clinical testing. Allele origin: germline.
Comment: For these reasons, this variant has been classified as Pathogenic. ClinVar contains an entry for this variant (Variation ID: 1323232). This premature translational stop signal has been observed in individual(s) with Leber congenital amaurosis (PMID: 24474277). This variant is not present in population databases (gnomAD no frequency). This sequence change creates a premature translational stop signal (p.Tyr354*) in the LCA5 gene. It is expected to result in an absent or disrupted protein product. Loss-of-function variants in LCA5 are known to be pathogenic (PMID: 17546029, 23946133).

Revvity Omics, Revvity
Classification: Pathogenic for Leber congenital amaurosis 5. Last evaluated: 2019-07-18. Review status: criteria provided, single submitter. Criteria: ACMG Guidelines, 2015. Collection method: clinical testing. Allele origin: germline.

Literature cited by the submitters: PubMed 24474277 (cited by Labcorp Genetics (formerly Invitae), Labcorp); PubMed 17546029 (cited by Labcorp Genetics (formerly Invitae), Labcorp); PubMed 23946133 (cited by Labcorp Genetics (formerly Invitae), Labcorp).

NM_001122769.3(LCA5):c.1062C>A (p.Tyr354Ter)

Gene: LCA5 (lebercilin LCA5; minus strand). Cytogenetic location: 6q14.1.
Variant type: single nucleotide variant.
Coding change: c.1062C>A on transcript NM_001122769.3 (MANE Select); coding-DNA position 1062, C replaced by A.
Protein change: p.Tyr354Ter; replaces tyrosine 354 with a stop codon.
Molecular consequence: nonsense.
Genome position (GRCh38, 1-based): chr6:79,491,624, G>T on the plus strand (C>A on the coding strand, the complement: LCA5 is on the minus strand). VCF-style: chr6-79491624-G-T. GRCh37 (hg19) VCF-style: chr6-80201341-G-T.
Other names: c.1062C>A, p.Tyr354Ter (NM_181714.4); short protein forms Y354*.
Identifiers: ClinVar variation 1323232 (VCV001323232.8), dbSNP rs183261547, ClinGen allele CA364643749.